The following is an entry in ClinVar:

ClinVar aggregate classification (germline): Uncertain significance. Review status: criteria provided, multiple submitters, no conflicts (2 of 4 stars). 2 submissions from 2 submitters: Uncertain significance (2). Last evaluated 2023-11-30.

Conditions:
Hereditary cancer-predisposing syndrome. Also called: Tumor predisposition; Hereditary neoplastic syndrome; Neoplastic Syndromes, Hereditary; Hereditary Cancer Syndrome. Identifiers: Orphanet 140162, MedGen C0027672, MeSH D009386, MONDO:0015356.
Renal cell carcinoma. Identifiers: Orphanet 217071, MedGen C0007134, MeSH D002292, MONDO:0005086, HP:0005584.

Submissions (2):

Ambry Genetics
Classification: Uncertain significance for Hereditary cancer-predisposing syndrome. Last evaluated: 2023-11-30. Review status: criteria provided, single submitter. Criteria: Ambry Variant Classification Scheme 2023. Collection method: clinical testing. Allele origin: germline.
Comment: The p.Q1141R variant (also known as c.3422A>G), located in coding exon 16 of the MET gene, results from an A to G substitution at nucleotide position 3422. The glutamine at codon 1141 is replaced by arginine, an amino acid with highly similar properties. This amino acid position is highly conserved in available vertebrate species. In addition, this alteration is predicted to be deleterious by in silico analysis. Since supporting evidence is limited at this time, the clinical significance of this alteration remains unclear.

Labcorp Genetics (formerly Invitae), Labcorp
Classification: Uncertain significance for Renal cell carcinoma. Last evaluated: 2021-02-12. Review status: criteria provided, single submitter. Criteria: Invitae Variant Classification Sherloc (09022015). Collection method: clinical testing. Allele origin: germline.
Comment: This variant has not been reported in the literature in individuals with MET-related conditions. This variant is not present in population databases (ExAC no frequency). This sequence change replaces glutamine with arginine at codon 1141 of the MET protein (p.Gln1141Arg). The glutamine residue is highly conserved and there is a small physicochemical difference between glutamine and arginine. Algorithms developed to predict the effect of missense changes on protein structure and function are either unavailable or do not agree on the potential impact of this missense change (SIFT: "Deleterious"; PolyPhen-2: "Probably Damaging"; Align-GVGD: "Class C0"). In summary, the available evidence is currently insufficient to determine the role of this variant in disease. Therefore, it has been classified as a Variant of Uncertain Significance.

NM_000245.4(MET):c.3368A>G (p.Gln1123Arg)

Gene: MET (MET proto-oncogene, receptor tyrosine kinase; plus strand). Cytogenetic location: 7q31.2.
Variant type: single nucleotide variant.
Coding change: c.3368A>G on transcript NM_000245.4 (MANE Select); coding-DNA position 3368, A replaced by G.
Protein change: p.Gln1123Arg; replaces glutamine 1123 with arginine.
Molecular consequence: missense variant.
Genome position (GRCh38, 1-based): chr7:116,778,803, A>G. VCF-style: chr7-116778803-A-G. GRCh37 (hg19) VCF-style: chr7-116418857-A-G.
Other names: c.3422A>G, p.Gln1141Arg (NM_001127500.3); c.2078A>G, p.Gln693Arg (NM_001324402.2); short protein forms Q1123R, Q1141R, Q693R.
Identifiers: ClinVar variation 1427875 (VCV001427875.10), dbSNP rs2117045243, ClinGen allele CA368989999.